The following is an entry in ClinVar:

NM_198578.4(LRRK2):c.4944G>T (p.Gln1648His)

Gene: LRRK2 (leucine rich repeat kinase 2; plus strand). Cytogenetic location: 12q12.
Variant type: single nucleotide variant.
Coding change: c.4944G>T on transcript NM_198578.4 (MANE Select); coding-DNA position 4944, G replaced by T.
Protein change: p.Gln1648His; replaces glutamine 1648 with histidine.
Molecular consequence: missense variant.
Genome position (GRCh38, 1-based): chr12:40,320,104, G>T. VCF-style: chr12-40320104-G-T. GRCh37 (hg19) VCF-style: chr12-40713906-G-T.
Other names: short protein forms Q1648H.
Identifiers: ClinVar variation 3229674 (VCV003229674.1), dbSNP rs1424699017, ClinGen allele CA384419636.

ClinVar aggregate classification (germline): Uncertain significance (1 of 4 stars; one submission).

Conditions:
Inborn genetic diseases. Identifiers: MedGen C0950123, MeSH D030342.

Submission:

Ambry Genetics
Classification: Uncertain significance for Inborn genetic diseases. Last evaluated: 2024-02-26. Review status: criteria provided, single submitter. Criteria: Ambry Variant Classification Scheme 2023. Collection method: clinical testing. Allele origin: germline.
Comment: The p.Q1648H variant (also known as c.4944G>T), located in coding exon 34 of the LRRK2 gene, results from a G to T substitution at nucleotide position 4944. The glutamine at codon 1648 is replaced by histidine, an amino acid with highly similar properties. This amino acid position is conserved. In addition, this alteration is predicted to be deleterious by in silico analysis. Based on the available evidence, the clinical significance of this alteration remains unclear.